The following is an entry in ClinVar:

ClinVar aggregate classification (germline): Uncertain significance. Review status: criteria provided, multiple submitters, no conflicts (2 of 4 stars). 2 submissions from 2 submitters: Uncertain significance (2). Last evaluated 2025-09-09.

Allele frequency attached by ClinVar (database versions not stated): gnomAD exomes 0.00001; ExAC 0.00002; ESP Exome Variant Server 0.00008.
gnomAD v4.1: 5 of 1,614,198 alleles (0.00031%); highest among the groups gnomAD compares: East Asian, 0.0045%; no homozygotes.

Submissions (2):

Mayo Clinic Laboratories, Mayo Clinic
Classification: Uncertain significance. Last evaluated: 2025-09-09. Review status: criteria provided, single submitter. Criteria: ACMG Guidelines, 2015. Collection method: clinical testing. Allele origin: germline. Observed: 1 variant allele.
Comment: BP4_moderate

Labcorp Genetics (formerly Invitae), Labcorp
Classification: Uncertain significance. Last evaluated: 2024-10-07. Review status: criteria provided, single submitter. Criteria: Invitae Variant Classification Sherloc (09022015). Collection method: clinical testing. Allele origin: germline.
Comment: This sequence change replaces threonine, which is neutral and polar, with methionine, which is neutral and non-polar, at codon 1583 of the C3 protein (p.Thr1583Met). This variant is present in population databases (rs367971651, gnomAD 0.01%). This variant has not been reported in the literature in individuals affected with C3-related conditions. Invitae Evidence Modeling of protein sequence and biophysical properties (such as structural, functional, and spatial information, amino acid conservation, physicochemical variation, residue mobility, and thermodynamic stability) indicates that this missense variant is not expected to disrupt C3 protein function with a negative predictive value of 80%. In summary, the available evidence is currently insufficient to determine the role of this variant in disease. Therefore, it has been classified as a Variant of Uncertain Significance.

NM_000064.4(C3):c.4748C>T (p.Thr1583Met)

Gene: C3 (complement C3; minus strand). Cytogenetic location: 19p13.3.
Variant type: single nucleotide variant.
Coding change: c.4748C>T on transcript NM_000064.4 (MANE Select); coding-DNA position 4748, C replaced by T.
Protein change: p.Thr1583Met; replaces threonine 1583 with methionine.
Molecular consequence: missense variant.
Genome position (GRCh38, 1-based): chr19:6,678,254, G>A on the plus strand (C>T on the coding strand, the complement: C3 is on the minus strand). VCF-style: chr19-6678254-G-A. GRCh37 (hg19) VCF-style: chr19-6678265-G-A.
Other names: p.Thr1583Met; short protein forms T1583M.
Identifiers: ClinVar variation 2974878 (VCV002974878.4), dbSNP rs367971651, ClinGen allele CA9128267.
Genomic context (GRCh38, chr19:6,678,254, plus strand): 5'-AGGTAGTGTTTCTTCTCCTCCAGCTTCAGGGCTTCTCTGCACTTGATGGGGCTGATGAAC[G>A]TGCGCTGCTGTCCAACCTGCACCTCATCCGAGCCTGGAGTGGAGGGGAGAGGGAAGAAGC-3'
Protein context (NP_000055.2, residues 1573-1593): SDEVQVGQQR[Thr1583Met]FISPIKCREA